The following is an entry in ClinVar:

NM_024675.4(PALB2):c.2020_2021del (p.Asp674fs)

Gene: PALB2 (partner and localizer of BRCA2; minus strand). Cytogenetic location: 16p12.2.
Variant type: Deletion.
Coding change: c.2020_2021del on transcript NM_024675.4 (MANE Select); coding-DNA positions 2020 to 2021, 2 bases deleted (GA; older notation c.2020_2021delGA).
Protein change: p.Asp674fs; shifts the reading frame from aspartic acid 674.
Molecular consequence: frameshift variant.
Genome position (GRCh38, 1-based): chr16:23,630,133-23,630,134, TC deleted on the plus strand (GA on the coding strand, the reverse complement: PALB2 is on the minus strand). VCF-style (leftmost placement, unchanged base first): chr16-23630132-GTC-G. GRCh37 (hg19) VCF-style: chr16-23641453-GTC-G.
Other names: short protein forms D674fs.
Identifiers: ClinVar variation 1074896 (VCV001074896.9), dbSNP rs2142383242, ClinGen allele CA2499223430.

ClinVar aggregate classification (germline): Pathogenic/Likely pathogenic. Review status: criteria provided, multiple submitters, no conflicts (2 of 4 stars). 2 submissions from 2 submitters: Pathogenic (1); Likely pathogenic (1). Last evaluated 2023-02-17.

Conditions:
Familial cancer of breast. Also called: hereditary breast carcinoma; Hereditary breast cancer; BREAST CANCER, FAMILIAL. Identifiers: Orphanet 227535, MedGen C0346153, MONDO:0016419, OMIM 114480. Disease mechanism: loss of function.

Submissions (2):

Baylor Genetics
Classification: Likely pathogenic for Familial cancer of breast. Last evaluated: 2023-02-17. Review status: criteria provided, single submitter. Criteria: ACMG Guidelines, 2015. Collection method: clinical testing. Allele origin: unknown.

Labcorp Genetics (formerly Invitae), Labcorp
Classification: Pathogenic for Familial cancer of breast. Last evaluated: 2020-09-11. Review status: criteria provided, single submitter. Criteria: Invitae Variant Classification Sherloc (09022015). Collection method: clinical testing. Allele origin: germline.
Comment: For these reasons, this variant has been classified as Pathogenic. Loss-of-function variants in PALB2 are known to be pathogenic (PMID: 17200668, 24136930, 25099575). This variant has not been reported in the literature in individuals with PALB2-related conditions. This variant is not present in population databases (ExAC no frequency). This sequence change creates a premature translational stop signal (p.Asp674Profs*40) in the PALB2 gene. It is expected to result in an absent or disrupted protein product.

Literature cited by the submitters: PubMed 17200668 (cited by Labcorp Genetics (formerly Invitae), Labcorp); PubMed 24136930 (cited by Labcorp Genetics (formerly Invitae), Labcorp); PubMed 25099575 (cited by Labcorp Genetics (formerly Invitae), Labcorp).